The following is an entry in ClinVar:

ClinVar aggregate classification (germline): Uncertain significance. Review status: criteria provided, multiple submitters, no conflicts (2 of 4 stars). 4 submissions from 4 submitters: Uncertain significance (3). 1 of the submissions does not count toward it. Last evaluated 2026-01-01.

Conditions:
TJP2-related disorder. Also called: TJP2-related condition.
Inborn genetic diseases. Identifiers: MedGen C0950123, MeSH D030342.

Allele frequency attached by ClinVar (database versions not stated): gnomAD exomes 0.00013; 1000 Genomes Project 30x 0.00016; ExAC 0.00016; gnomAD 0.00001 and 0.00003; TOPMed 0.00002; 1000 Genomes Project 0.00020.
gnomAD v4.1: 91 of 1,613,920 alleles (0.0056%); highest among the groups gnomAD compares: South Asian, 0.072%; 2 homozygotes.

Submissions (4):

CeGaT Center for Human Genetics Tuebingen
Classification: Uncertain significance. Last evaluated: 2026-01-01. Review status: criteria provided, single submitter. Criteria: CeGaT Center For Human Genetics Tuebingen Variant Classification Criteria Version 2. Collection method: clinical testing. Allele origin: germline. Affected: yes. Observed: 1 variant allele.
Comment: TJP2: PM2:Supporting, BP4

Ambry Genetics
Classification: Uncertain significance for Inborn genetic diseases. Last evaluated: 2023-03-28. Review status: criteria provided, single submitter. Criteria: Ambry Variant Classification Scheme 2023. Collection method: clinical testing. Allele origin: germline.

Eurofins Ntd Llc (ga)
Classification: Uncertain significance. Last evaluated: 2017-11-13. Review status: criteria provided, single submitter. Criteria: EGL Classification Definitions 2015. Collection method: clinical testing. Allele origin: germline. Observed: 1 variant allele, 1 heterozygote.

PreventionGenetics, part of Exact Sciences
Classification: Uncertain significance for TJP2-related condition. Last evaluated: 2024-04-29. Review status: no assertion criteria provided. Collection method: clinical testing. Allele origin: germline. Not counted in ClinVar's aggregate classification.
Comment: The TJP2 c.1490G>A variant is predicted to result in the amino acid substitution p.Arg497His. To our knowledge, this variant has not been reported in the literature. This variant is reported in 0.091% of alleles in individuals of South Asian descent in gnomAD. Although we suspect that this variant may be benign, at this time, the clinical significance of this variant is uncertain due to the absence of conclusive functional and genetic evidence.

NM_004817.4(TJP2):c.1490G>A (p.Arg497His)

Gene: TJP2 (tight junction protein 2; plus strand). Cytogenetic location: 9q21.11.
Variant type: single nucleotide variant.
Coding change: c.1490G>A on transcript NM_004817.4 (MANE Select); coding-DNA position 1490, G replaced by A.
Protein change: p.Arg497His; replaces arginine 497 with histidine.
Molecular consequence: missense variant.
Genome position (GRCh38, 1-based): chr9:69,229,220, G>A. VCF-style: chr9-69229220-G-A. GRCh37 (hg19) VCF-style: chr9-71844136-G-A.
Other names: c.1490G>A, p.Arg497His (LRG_1201t1, NM_001369872.1, NM_001369873.1 and 1 more transcripts); c.1421G>A, p.Arg474His (NM_001170414.2, NM_001369871.1); c.1502G>A, p.Arg501His (NM_001170415.1, NM_001369874.1, NM_001369875.1); c.1583G>A, p.Arg528His (NM_001170416.2); c.1415G>A, p.Arg472His (NM_001369870.1); c.1490G>A (NM_004817.3); short protein forms R497H, R528H, R474H, R501H, R472H.
Identifiers: ClinVar variation 594980 (VCV000594980.12), dbSNP rs532438219, ClinGen allele CA5073329.